The following is an entry in ClinVar:

ClinVar aggregate classification (germline): Likely benign (1 of 4 stars; one submission).

Submission:

CeGaT Center for Human Genetics Tuebingen
Classification: Likely benign. Last evaluated: 2026-09-01. Review status: criteria provided, single submitter. Criteria: CeGaT Center For Human Genetics Tuebingen Variant Classification Criteria Version 2. Collection method: clinical testing. Allele origin: germline. Affected: yes. Observed: 1 variant allele.
Comment: NDUFA13: BP4, BP7

NM_015965.7(NDUFA13):c.195C>T (p.Phe65=)

Gene: NDUFA13 (NADH:ubiquinone oxidoreductase subunit A13; plus strand). Cytogenetic location: 19p13.11.
Variant type: single nucleotide variant.
Coding change: c.195C>T on transcript NM_015965.7 (MANE Select); coding-DNA position 195, C replaced by T.
Protein change: p.Phe65=; no amino-acid change (phenylalanine 65 retained).
Molecular consequence: synonymous variant.
Genome position (GRCh38, 1-based): chr19:19,527,302, C>T. VCF-style: chr19-19527302-C-T. GRCh37 (hg19) VCF-style: chr19-19638111-C-T.
Identifiers: ClinVar variation 5040911 (VCV005040911.1).